The following is an entry in ClinVar:

ClinVar aggregate classification (germline): Uncertain significance (1 of 4 stars; one submission).

Conditions:
Aortic aneurysm, familial thoracic 4 (AAT4). Also called: AORTIC ANEURYSM/AORTIC DISSECTION AND PATENT DUCTUS ARTERIOSUS. Identifiers: MedGen C1851504, MONDO:0007568, OMIM 132900.

Submission:

Labcorp Genetics (formerly Invitae), Labcorp
Classification: Uncertain significance for Aortic aneurysm, familial thoracic 4. Last evaluated: 2024-05-17. Review status: criteria provided, single submitter. Criteria: Invitae Variant Classification Sherloc (09022015). Collection method: clinical testing. Allele origin: germline.
Comment: This sequence change replaces lysine, which is basic and polar, with glutamic acid, which is acidic and polar, at codon 1488 of the MYH11 protein (p.Lys1488Glu). This variant is not present in population databases (gnomAD no frequency). This variant has not been reported in the literature in individuals affected with MYH11-related conditions. Advanced modeling of protein sequence and biophysical properties (such as structural, functional, and spatial information, amino acid conservation, physicochemical variation, residue mobility, and thermodynamic stability) performed at Invitae indicates that this missense variant is not expected to disrupt MYH11 protein function with a negative predictive value of 80%. In summary, the available evidence is currently insufficient to determine the role of this variant in disease. Therefore, it has been classified as a Variant of Uncertain Significance.

NM_002474.3(MYH11):c.4441A>G (p.Lys1481Glu)

Genes: NDE1 (nudE neurodevelopment protein 1; plus strand), MYH11 (myosin heavy chain 11; minus strand). Cytogenetic location: 16p13.11.
Variant type: single nucleotide variant.
Coding change: c.4441A>G on transcript NM_002474.3 (MANE Select); coding-DNA position 4441, A replaced by G.
Protein change: p.Lys1481Glu; replaces lysine 1481 with glutamic acid.
Molecular consequence: missense variant. On other transcripts: intron variant (2).
Genome position (GRCh38, 1-based): chr16:15,721,559, T>C on the plus strand (A>G on the coding strand, the complement: MYH11 is on the minus strand). VCF-style: chr16-15721559-T-C. GRCh37 (hg19) VCF-style: chr16-15815416-T-C.
Other names: c.4462A>G, p.Lys1488Glu (NM_001040113.2, NM_001040114.2); c.4441A>G, p.Lys1481Glu (NM_022844.3); c.948-2632T>C (NM_001143979.2, NM_017668.3); short protein forms K1481E, K1488E.
Identifiers: ClinVar variation 3696764 (VCV003696764.2).
Genomic context (GRCh38, chr16:15,721,559, plus strand): 5'-CCTCTTTGGCTTCCAAGGCCTCTTCAAGGGCCCGAGCCAGGGACAGGGCCTTGGTTTCCT[T>C]CTCCCTGGCTTCTGCCTCAGCTCTGTCCCTCTCATCCGCGTATTTGGAAGAGATGTTTTT-3'
Protein context (NP_002465.1, residues 1471-1491): RDRAEAEARE[Lys1481Glu]ETKALSLARA